The following is an entry in ClinVar:

NM_003482.4(KMT2D):c.11875C>G (p.Gln3959Glu)

Gene: KMT2D (lysine methyltransferase 2D; minus strand). Cytogenetic location: 12q13.12.
Variant type: single nucleotide variant.
Coding change: c.11875C>G on transcript NM_003482.4 (MANE Select); coding-DNA position 11875, C replaced by G.
Protein change: p.Gln3959Glu; replaces glutamine 3959 with glutamic acid.
Molecular consequence: missense variant.
Genome position (GRCh38, 1-based): chr12:49,032,830, G>C on the plus strand (C>G on the coding strand, the complement: KMT2D is on the minus strand). VCF-style: chr12-49032830-G-C. GRCh37 (hg19) VCF-style: chr12-49426613-G-C.
Other names: short protein forms Q3959E.
Identifiers: ClinVar variation 3657588 (VCV003657588.2).
Genomic context (GRCh38, chr12:49,032,830, plus strand): 5'-TTAAAAGGCCCATCTGCTGCTGTTGCTGCTGCTGTTGAAACTGCTGCTGTTGTTGTTGCT[G>C]TTGCTGTTGTAGCTGCTGTTGCTGCTGTTGAAGCTGTTGCTGCTGCTGTTGTTGAAGCTG-3'
Protein context (NP_003473.3, residues 3949-3969): QQQQQQLQQQ[Gln3959Glu]QQQQQQFQQQ

ClinVar aggregate classification (germline): Uncertain significance (1 of 4 stars; one submission).

Conditions:
Kabuki syndrome. Also called: Kabuki make-up syndrome; NIIKAWA-KUROKI SYNDROME. Identifiers: Orphanet 2322, MedGen C0796004, MONDO:0016512.

gnomAD v4.1: 1 of 1,550,828 alleles (0.000064%); no homozygotes.

Submission:

Labcorp Genetics (formerly Invitae), Labcorp
Classification: Uncertain significance for Kabuki syndrome. Last evaluated: 2024-06-12. Review status: criteria provided, single submitter. Criteria: Invitae Variant Classification Sherloc (09022015). Collection method: clinical testing. Allele origin: germline.
Comment: This sequence change replaces glutamine, which is neutral and polar, with glutamic acid, which is acidic and polar, at codon 3959 of the KMT2D protein (p.Gln3959Glu). This variant is not present in population databases (gnomAD no frequency). This variant has not been reported in the literature in individuals affected with KMT2D-related conditions. Advanced modeling of protein sequence and biophysical properties (such as structural, functional, and spatial information, amino acid conservation, physicochemical variation, residue mobility, and thermodynamic stability) performed at Invitae indicates that this missense variant is not expected to disrupt KMT2D protein function with a negative predictive value of 95%. In summary, the available evidence is currently insufficient to determine the role of this variant in disease. Therefore, it has been classified as a Variant of Uncertain Significance.